The following is an entry in ClinVar:

NM_006231.4(POLE):c.4445G>A (p.Gly1482Glu)

Gene: POLE (DNA polymerase epsilon, catalytic subunit; minus strand). Cytogenetic location: 12q24.33.
Variant type: single nucleotide variant.
Coding change: c.4445G>A on transcript NM_006231.4 (MANE Select); coding-DNA position 4445, G replaced by A.
Protein change: p.Gly1482Glu; replaces glycine 1482 with glutamic acid.
Molecular consequence: missense variant.
Genome position (GRCh38, 1-based): chr12:132,643,330, C>T on the plus strand (G>A on the coding strand, the complement: POLE is on the minus strand). VCF-style: chr12-132643330-C-T. GRCh37 (hg19) VCF-style: chr12-133219916-C-T.
Other names: short protein forms G1482E.
Identifiers: ClinVar variation 432815 (VCV000432815.8), dbSNP rs1555222946, ClinGen allele CA387380830.
Genomic context (GRCh38, chr12:132,643,330, plus strand): 5'-ATCCCGAAGAGCGCTTTGTGGGCCTGTGCGTGGTGGTACAGGTAGATATGGCGGATACTC[C>T]CTGGAGAAGGAAACAAGACCGTCACCCCAGATGTGTGGGAGGCAGGCACATGATGGGCGG-3'
Protein context (NP_006222.2, residues 1472-1492): SLAQFSYLEP[Gly1482Glu]SIRHIYLYHH

ClinVar aggregate classification (germline): Uncertain significance. Review status: criteria provided, multiple submitters, no conflicts (2 of 4 stars). 2 submissions from 2 submitters: Uncertain significance (2). Last evaluated 2023-05-24.

Submissions (2):

Labcorp Genetics (formerly Invitae), Labcorp
Classification: Uncertain significance. Last evaluated: 2023-05-24. Review status: criteria provided, single submitter. Criteria: Invitae Variant Classification Sherloc (09022015). Collection method: clinical testing. Allele origin: germline.
Comment: In summary, the available evidence is currently insufficient to determine the role of this variant in disease. Therefore, it has been classified as a Variant of Uncertain Significance. An algorithm developed to predict the effect of missense changes on protein structure and function (PolyPhen-2) suggests that this variant is likely to be tolerated. ClinVar contains an entry for this variant (Variation ID: 432815). This variant has not been reported in the literature in individuals affected with POLE-related conditions. This variant is not present in population databases (gnomAD no frequency). This sequence change replaces glycine, which is neutral and non-polar, with glutamic acid, which is acidic and polar, at codon 1482 of the POLE protein (p.Gly1482Glu).

GeneDx
Classification: Uncertain significance. Last evaluated: 2020-10-01. Review status: criteria provided, single submitter. Criteria: GeneDx Variant Classification Process June 2021. Collection method: clinical testing. Allele origin: germline. Affected: yes.
Comment: Not observed in large population cohorts (Lek et al., 2016); In silico analysis supports that this missense variant does not alter protein structure/function; Has not been previously published as pathogenic or benign to our knowledge; In-silico analysis, which includes splice predictors and evolutionary conservation, is inconclusive as to whether the variant alters gene splicing. In the absence of RNA/functional studies, the actual effect of this sequence change is unknown.